The following is an entry in ClinVar:

ClinVar aggregate classification (germline): Uncertain significance (1 of 4 stars; one submission).

gnomAD v4.1: 1 of 1,614,102 alleles (0.000062%); no homozygotes.

Submission:

GeneDx
Classification: Uncertain significance. Last evaluated: 2026-08-11. Review status: criteria provided, single submitter. Criteria: GeneDx Variant Classification Process June 2021. Collection method: clinical testing. Allele origin: germline.
Comment: Not observed at significant frequency in large population cohorts (gnomAD); In silico analysis supports that this missense variant has a deleterious effect on protein structure/function; Has not been previously published as pathogenic or benign to our knowledge

NM_139319.3(SLC17A8):c.284A>G (p.Asn95Ser)

Gene: SLC17A8 (solute carrier family 17 member 8; plus strand). Cytogenetic location: 12q23.1.
Variant type: single nucleotide variant.
Coding change: c.284A>G on transcript NM_139319.3 (MANE Select); coding-DNA position 284, A replaced by G.
Protein change: p.Asn95Ser; replaces asparagine 95 with serine.
Molecular consequence: missense variant.
Genome position (GRCh38, 1-based): chr12:100,380,883, A>G. VCF-style: chr12-100380883-A-G. GRCh37 (hg19) VCF-style: chr12-100774661-A-G.
Other names: c.284A>G, p.Asn95Ser (NM_001145288.2); short protein forms N95S.
Identifiers: ClinVar variation 3378288 (VCV003378288.2).